The following is an entry in ClinVar:

NM_024422.6(DSC2):c.898A>G (p.Thr300Ala)

Gene: DSC2 (desmocollin 2; minus strand). Cytogenetic location: 18q12.1.
Variant type: single nucleotide variant.
Coding change: c.898A>G on transcript NM_024422.6 (MANE Select); coding-DNA position 898, A replaced by G.
Protein change: p.Thr300Ala; replaces threonine 300 with alanine.
Molecular consequence: missense variant.
Genome position (GRCh38, 1-based): chr18:31,086,620, T>C on the plus strand (A>G on the coding strand, the complement: DSC2 is on the minus strand). VCF-style: chr18-31086620-T-C. GRCh37 (hg19) VCF-style: chr18-28666583-T-C.
Other names: c.898A>G, p.Thr300Ala (NM_004949.5); short protein forms T300A.
Identifiers: ClinVar variation 928242 (VCV000928242.17), dbSNP rs531245154, ClinGen allele CA040471.

ClinVar aggregate classification (germline): Conflicting classifications of pathogenicity. Review status: criteria provided, conflicting classifications (1 of 4 stars). 6 submissions from 6 submitters: Uncertain significance (5); Likely benign (1). Last evaluated 2025-11-16.

Conditions:
Cardiomyopathy (CMYO). Also called: Cardiomyopathies. Identifiers: Orphanet 167848, MedGen C0878544, MONDO:0004994, HP:0001638. Inheritance: Various modes of inheritance.
Cardiovascular phenotype. Identifiers: MedGen CN230736.
Familial isolated arrhythmogenic right ventricular dysplasia. Identifiers: Orphanet 217656, MedGen C4274968, MONDO:0016342.
Arrhythmogenic right ventricular dysplasia 11. Also called: Arrhythmogenic Right Ventricular Dysplasia/Cardiomyopathy11; ARRHYTHMOGENIC RIGHT VENTRICULAR DYSPLASIA, FAMILIAL, 11; Arrhythmogenic right ventricular dysplasia 11 with mild palmoplantar keratoderma and woolly hair. Identifiers: MedGen C1864850, MONDO:0012506, OMIM 610476.

Allele frequency attached by ClinVar (database versions not stated): gnomAD exomes 0.00001 and 0.00002; gnomAD 0.00001; ExAC 0.00002; 1000 Genomes Project 0.00020; 1000 Genomes Project 30x 0.00016.
gnomAD v4.1: 17 of 1,614,204 alleles (0.0011%); highest among the groups gnomAD compares: East Asian, 0.0045%; no homozygotes.

Submissions (6):

Labcorp Genetics (formerly Invitae), Labcorp
Classification: Uncertain significance for Arrhythmogenic right ventricular dysplasia 11. Last evaluated: 2025-11-16. Review status: criteria provided, single submitter. Criteria: Invitae Variant Classification Sherloc (09022015). Collection method: clinical testing. Allele origin: germline.
Comment: This sequence change replaces threonine, which is neutral and polar, with alanine, which is neutral and non-polar, at codon 300 of the DSC2 protein (p.Thr300Ala). This variant is present in population databases (rs531245154, gnomAD 0.006%). This variant has not been reported in the literature in individuals affected with DSC2-related conditions. ClinVar contains an entry for this variant (Variation ID: 928242). Invitae Evidence Modeling of protein sequence and biophysical properties (such as structural, functional, and spatial information, amino acid conservation, physicochemical variation, residue mobility, and thermodynamic stability) indicates that this missense variant is not expected to disrupt DSC2 protein function with a negative predictive value of 80%. In summary, the available evidence is currently insufficient to determine the role of this variant in disease. Therefore, it has been classified as a Variant of Uncertain Significance.

Ambry Genetics
Classification: Likely benign for Cardiovascular phenotype. Last evaluated: 2025-09-05. Review status: criteria provided, single submitter. Criteria: Ambry Variant Classification Scheme 2023. Collection method: clinical testing. Allele origin: germline.

GeneDx
Classification: Uncertain significance. Last evaluated: 2024-11-21. Review status: criteria provided, single submitter. Criteria: GeneDx Variant Classification Process June 2021. Collection method: clinical testing. Allele origin: germline. Affected: yes.
Comment: Not observed at significant frequency in large population cohorts (gnomAD); In silico analysis indicates that this missense variant does not alter protein structure/function; Has not been previously published as pathogenic or benign to our knowledge

All of Us Research Program, National Institutes of Health
Classification: Uncertain significance for Familial isolated arrhythmogenic right ventricular dysplasia. Last evaluated: 2023-12-01. Review status: criteria provided, single submitter. Criteria: ACMG Guidelines, 2015. Collection method: clinical testing. Allele origin: germline. Inheritance: Autosomal dominant inheritance. Observed: 3 variant alleles, 3 heterozygotes.
Comment: This missense variant replaces threonine with alanine at codon 300 of the DSC2 protein. Computational prediction tools and conservation analyses suggest that this variant may not impact the protein function. Computational splicing tools suggest that this variant may not impact RNA splicing. To our knowledge, functional assays have not been performed for this variant nor has this variant been reported in individuals affected with cardiovascular disorders in the literature. This variant has been identified in 4/251448 chromosomes in the general population by the Genome Aggregation Database (gnomAD). Available evidence is insufficient to determine the role of this variant in disease conclusively. Therefore, this variant is classified as a Variant of Uncertain Significance.

This study involves interpretation of variants in research participants for the purpose of population health screening. Participant phenotype was not available at the time of variant classification. Additional details can be found in publication PMID: 35346344, PMCID: PMC8962531

Color Diagnostics, LLC DBA Color Health
Classification: Uncertain significance for Cardiomyopathy. Last evaluated: 2023-04-05. Review status: criteria provided, single submitter. Criteria: ACMG Guidelines, 2015. Collection method: clinical testing. Allele origin: germline.
Comment: This missense variant replaces threonine with alanine at codon 300 of the DSC2 protein. Computational prediction suggests that this variant may not impact protein structure and function (internally defined REVEL score threshold <= 0.5, PMID: 27666373). To our knowledge, functional studies have not been reported for this variant. This variant has not been reported in individuals affected with DSC2-related disorders in the literature. This variant has been identified in 4/251448 chromosomes in the general population by the Genome Aggregation Database (gnomAD). The available evidence is insufficient to determine the role of this variant in disease conclusively. Therefore, this variant is classified as a Variant of Uncertain Significance.

CHEO Genetics Diagnostic Laboratory, Children's Hospital of Eastern Ontario
Classification: Uncertain significance for Cardiomyopathy. Last evaluated: 2022-11-16. Review status: criteria provided, single submitter. Criteria: ACMG Guidelines, 2015. Collection method: clinical testing. Allele origin: germline.

Literature cited by the submitters: PubMed 37328711 (cited by Ambry Genetics).